The following is an entry in ClinVar:

ClinVar aggregate classification (germline): Uncertain significance (1 of 4 stars; one submission).

Submission:

Labcorp Genetics (formerly Invitae), Labcorp
Classification: Uncertain significance. Last evaluated: 2025-07-27. Review status: criteria provided, single submitter. Criteria: Invitae Variant Classification Sherloc (09022015). Collection method: clinical testing. Allele origin: germline.
Comment: This sequence change replaces cysteine, which is neutral and slightly polar, with arginine, which is basic and polar, at codon 262 of the FBLN5 protein (p.Cys262Arg). This variant is not present in population databases (gnomAD no frequency). This variant has not been reported in the literature in individuals affected with FBLN5-related conditions. Invitae Evidence Modeling of protein sequence and biophysical properties (such as structural, functional, and spatial information, amino acid conservation, physicochemical variation, residue mobility, and thermodynamic stability) indicates that this missense variant is expected to disrupt FBLN5 protein function with a positive predictive value of 80%. In summary, the available evidence is currently insufficient to determine the role of this variant in disease. Therefore, it has been classified as a Variant of Uncertain Significance.

NM_006329.4(FBLN5):c.784T>C (p.Cys262Arg)

Gene: FBLN5 (fibulin 5; minus strand). Cytogenetic location: 14q32.12.
Variant type: single nucleotide variant.
Coding change: c.784T>C on transcript NM_006329.4 (MANE Select); coding-DNA position 784, T replaced by C.
Protein change: p.Cys262Arg; replaces cysteine 262 with arginine.
Molecular consequence: missense variant.
Genome position (GRCh38, 1-based): chr14:91,883,032, A>G on the plus strand (T>C on the coding strand, the complement: FBLN5 is on the minus strand). VCF-style: chr14-91883032-A-G. GRCh37 (hg19) VCF-style: chr14-92349376-A-G.
Other names: c.907T>C, p.Cys303Arg (NM_001384158.1); c.835T>C, p.Cys279Arg (NM_001384159.1); c.784T>C, p.Cys262Arg (NM_001384160.1); c.616T>C, p.Cys206Arg (NM_001384161.1, NM_001384162.1); short protein forms C262R, C279R, C303R, C206R.
Identifiers: ClinVar variation 4746538 (VCV004746538.1).